The following is an entry in ClinVar:

NM_000051.4(ATM):c.6260A>G (p.Glu2087Gly)

Genes: ATM (ATM serine/threonine kinase; plus strand), C11orf65 (chromosome 11 open reading frame 65; minus strand). Cytogenetic location: 11q22.3.
Variant type: single nucleotide variant.
Coding change: c.6260A>G on transcript NM_000051.4 (MANE Select); coding-DNA position 6260, A replaced by G.
Protein change: p.Glu2087Gly; replaces glutamic acid 2087 with glycine.
Molecular consequence: missense variant. On other transcripts: intron variant (2).
Genome position (GRCh38, 1-based): chr11:108,317,434, A>G. VCF-style: chr11-108317434-A-G. GRCh37 (hg19) VCF-style: chr11-108188161-A-G.
Other names: c.6260A>G, p.Glu2087Gly (NM_001351834.2); c.641-8363T>C (NM_001330368.2); c.*39-8363T>C (NM_001351110.2); short protein forms E2087G.
Identifiers: ClinVar variation 582503 (VCV000582503.33), dbSNP rs1565503023, ClinGen allele CA382551880.

ClinVar aggregate classification (germline): Uncertain significance. Review status: criteria provided, multiple submitters, no conflicts (2 of 4 stars). 6 submissions from 6 submitters: Uncertain significance (5). 1 of the submissions does not count toward it. Last evaluated 2025-12-16.

Conditions:
Hereditary cancer-predisposing syndrome. Also called: Hereditary Cancer Syndrome; Neoplastic Syndromes, Hereditary; Tumor predisposition; Hereditary neoplastic syndrome. Identifiers: Orphanet 140162, MedGen C0027672, MeSH D009386, MONDO:0015356.
Ataxia-telangiectasia syndrome (AT). Also called: Cerebello-oculocutaneous telangiectasia; Immunodeficiency with ataxia telangiectasia; Ataxia-telangiectasia, complementation group E; Ataxia-telangiectasia, complementation group D; AT, COMPLEMENTATION GROUP C; ATAXIA-TELANGIECTASIA, COMPLEMENTATION GROUP A. Identifiers: Orphanet 100, MedGen C0004135, MONDO:0008840, OMIM 208900.

Submissions (6):

Ambry Genetics
Classification: Uncertain significance for Hereditary cancer-predisposing syndrome. Last evaluated: 2025-12-16. Review status: criteria provided, single submitter. Criteria: Ambry Variant Classification Scheme 2023. Collection method: clinical testing. Allele origin: germline.
Comment: The p.E2087G variant (also known as c.6260A>G), located in coding exon 42 of the ATM gene, results from an A to G substitution at nucleotide position 6260. The glutamic acid at codon 2087 is replaced by glycine, an amino acid with similar properties. In an assay testing ATM function, this variant showed a functionally normal result (Lee KS et al. Cell, 2025 Sep;188:5081-5099.e27). This amino acid position is well conserved in available vertebrate species. In addition, the in silico prediction for this alteration is inconclusive. Based on the available evidence, the clinical significance of this variant remains unclear.

Labcorp Genetics (formerly Invitae), Labcorp
Classification: Uncertain significance for Ataxia-telangiectasia syndrome. Last evaluated: 2025-01-02. Review status: criteria provided, single submitter. Criteria: Invitae Variant Classification Sherloc (09022015). Collection method: clinical testing. Allele origin: germline.
Comment: This sequence change replaces glutamic acid, which is acidic and polar, with glycine, which is neutral and non-polar, at codon 2087 of the ATM protein (p.Glu2087Gly). This variant is not present in population databases (gnomAD no frequency). This variant has not been reported in the literature in individuals affected with ATM-related conditions. ClinVar contains an entry for this variant (Variation ID: 582503). Invitae Evidence Modeling of protein sequence and biophysical properties (such as structural, functional, and spatial information, amino acid conservation, physicochemical variation, residue mobility, and thermodynamic stability) indicates that this missense variant is not expected to disrupt ATM protein function with a negative predictive value of 95%. In summary, the available evidence is currently insufficient to determine the role of this variant in disease. Therefore, it has been classified as a Variant of Uncertain Significance.

Color Diagnostics, LLC DBA Color Health
Classification: Uncertain significance for Hereditary cancer-predisposing syndrome. Last evaluated: 2024-03-06. Review status: criteria provided, single submitter. Criteria: ACMG Guidelines, 2015. Collection method: clinical testing. Allele origin: germline.
Comment: This missense variant replaces glutamic acid with glycine at codon 2087 of the ATM protein. Computational prediction suggests that this variant may not impact protein structure and function (internally defined REVEL score threshold <= 0.5, PMID: 27666373). To our knowledge, functional studies have not been reported for this variant. This variant has not been reported in individuals affected with hereditary cancer in the literature. This variant has not been identified in the general population by the Genome Aggregation Database (gnomAD). The available evidence is insufficient to determine the role of this variant in disease conclusively. Therefore, this variant is classified as a Variant of Uncertain Significance.

GeneDx
Classification: Uncertain significance. Last evaluated: 2023-04-11. Review status: criteria provided, single submitter. Criteria: GeneDx Variant Classification Process June 2021. Collection method: clinical testing. Allele origin: germline. Affected: yes.
Comment: Not observed at significant frequency in large population cohorts (gnomAD); In silico analysis supports that this missense variant has a deleterious effect on protein structure/function; Has not been previously published as pathogenic or benign to our knowledge; This variant is associated with the following publications: (PMID: 23532176)

Mendelics
Classification: Uncertain significance for Ataxia-telangiectasia syndrome. Last evaluated: 2018-07-02. Review status: criteria provided, single submitter. Criteria: Mendelics Assertion Criteria 2017. Collection method: clinical testing. Allele origin: unknown.

Natera, Inc.
Classification: Uncertain significance for Ataxia-telangiectasia. Last evaluated: 2021-01-12. Review status: no assertion criteria provided. Collection method: clinical testing. Allele origin: germline. Not counted in ClinVar's aggregate classification.

Literature cited by the submitters: PubMed 40580951 (cited by Ambry Genetics).